The following is an entry in ClinVar:

ClinVar aggregate classification (germline): Benign. Review status: reviewed by expert panel (3 of 4 stars). 13 submissions from 13 submitters: Benign (1). 12 of the submissions do not count toward it. Last evaluated 2017-05-09.

Conditions:
Noonan syndrome and Noonan-related syndrome. Identifiers: Orphanet 98733, MedGen C5681679, MONDO:0020297.
RASopathy. Also called: rasopathies; Noonan spectrum disorder. Identifiers: Orphanet 536391, MedGen C5555857, MONDO:0021060.
Noonan syndrome (NS). Also called: Noonan's syndrome. Identifiers: Orphanet 648, MedGen C0028326, MeSH D009634, MONDO:0018997. Disease mechanism: gain of function.

Submissions (13):

ClinGen RASopathy Variant Curation Expert Panel
Classification: Benign for Noonan syndrome and Noonan-related syndrome. Last evaluated: 2017-05-09. Review status: reviewed by expert panel. Criteria: ClinGen RASopathy ACMG Specifications v1. Collection method: curation. Allele origin: germline. Inheritance: Autosomal dominant inheritance.
Comment: The filtering allele frequency of the c.1068+12_1068+15delTATT variant in the MAP2K1 gene is 0.285% (214/66740) of European chromosomes by the Exome Aggregation Consortium, which is a high enough frequency to be classified as benign based on thresholds defined by the ClinGen RASopathy Expert Panel (BA1; PMID:29493581)

CeGaT Center for Human Genetics Tuebingen
Classification: Likely benign. Last evaluated: 2026-04-01. Review status: criteria provided, single submitter. Criteria: CeGaT Center For Human Genetics Tuebingen Variant Classification Criteria Version 2. Collection method: clinical testing. Allele origin: germline. Affected: yes. Observed: 10 variant alleles. Not counted in ClinVar's aggregate classification.
Comment: MAP2K1: BS2

Labcorp Genetics (formerly Invitae), Labcorp
Classification: Benign for RASopathy. Last evaluated: 2026-02-01. Review status: criteria provided, single submitter. Criteria: Invitae Variant Classification Sherloc (09022015). Collection method: clinical testing. Allele origin: germline. Not counted in ClinVar's aggregate classification.

Blueprint Genetics
Classification: Likely benign. Last evaluated: 2024-11-19. Review status: criteria provided, single submitter. Criteria: ACMG Guidelines, 2015. Collection method: clinical testing. Allele origin: germline. Not counted in ClinVar's aggregate classification.

ARUP Laboratories, Molecular Genetics and Genomics, ARUP Laboratories
Classification: Likely benign. Last evaluated: 2022-02-08. Review status: criteria provided, single submitter. Criteria: ARUP Molecular Germline Variant Investigation Process 2021. Collection method: clinical testing. Allele origin: germline. Not counted in ClinVar's aggregate classification.

St. Jude Molecular Pathology, St. Jude Children's Research Hospital
Classification: Benign for Noonan syndrome. Last evaluated: 2020-09-22. Review status: criteria provided, single submitter. Criteria: St. Jude Assertion Criteria 2020. Collection method: clinical testing. Allele origin: germline. Not counted in ClinVar's aggregate classification.

Genome Diagnostics Laboratory, The Hospital for Sick Children
Classification: Benign for Noonan syndrome and Noonan-related syndrome. Last evaluated: 2020-07-16. Review status: criteria provided, single submitter. Criteria: ACMG Guidelines, 2015. Collection method: clinical testing. Allele origin: germline. Not counted in ClinVar's aggregate classification.

Women's Health and Genetics/Laboratory Corporation of America, LabCorp
Classification: Benign. Last evaluated: 2019-10-08. Review status: criteria provided, single submitter. Criteria: LabCorp Variant Classification Summary - May 2015. Collection method: clinical testing. Allele origin: germline. Not counted in ClinVar's aggregate classification.
Comment: Variant summary: MAP2K1 c.1068+12_1068+15delTATT alters a non-conserved nucleotide located close to a canonical splice site and therefore could affect mRNA splicing, leading to a significantly altered protein sequence. 5/5 computational tools predict no significant impact on normal splicing. However, these predictions have yet to be confirmed by functional studies. The variant allele was found at a frequency of 0.0022 in 251462 control chromosomes, predominantly at a frequency of 0.0036 within the Non-Finnish European subpopulation in the gnomAD database, including 1 homozygotes. The observed variant frequency within Non-Finnish European control individuals in the gnomAD database is approximately 1440 fold of the estimated maximal expected allele frequency for a pathogenic variant in MAP2K1 causing Noonan Syndrome and Related Conditions phenotype (2.5e-06), strongly suggesting that the variant is a benign polymorphism found primarily in populations of Non-Finnish European origin. To our knowledge, no occurrence of c.1068+12_1068+15delTATT in individuals affected with Noonan Syndrome and Related Conditions and no experimental evidence demonstrating its impact on protein function have been reported. Four ClinVar submissions including an expert panel, ClinGen, (evaluation after 2014) cite the variant three times as likely benign/benign and once as uncertain significance. Based on the evidence outlined above, the variant was classified as benign.

Laboratory for Molecular Medicine, Mass General Brigham Personalized Medicine
Classification: Likely benign. Last evaluated: 2015-08-28. Review status: criteria provided, single submitter. Criteria: LMM Criteria. Collection method: clinical testing. Allele origin: germline. Observed: 6 variant alleles. Not counted in ClinVar's aggregate classification.
Comment: c.1068+12_1068+15delTATT in intron 10 of MAP2K1: This variant is not expected to have clinical significance because it does not alter an amino acid residue and is not located within the splice consensus sequence. It has been identified in 0 .3% (214/66740) of European chromosomes by the Exome Aggregation Consortium (ExA C).

GeneDx
Classification: Benign for Rasopathy. Last evaluated: 2012-08-21. Review status: criteria provided, single submitter. Criteria: GeneDx Variant Classification (06012015). Collection method: clinical testing. Allele origin: germline. Affected: yes. Not counted in ClinVar's aggregate classification.
Comment: The variant is found in NOONAN panel(s).

PreventionGenetics, part of Exact Sciences
Classification: Benign. Review status: criteria provided, single submitter. Criteria: ACMG Guidelines, 2015. Collection method: clinical testing. Allele origin: germline. Not counted in ClinVar's aggregate classification.

Clinical Genetics DNA and cytogenetics Diagnostics Lab, Erasmus MC, Erasmus Medical Center
Classification: Likely benign. Review status: no assertion criteria provided. Collection method: clinical testing. Allele origin: germline. Affected: yes. Study: VKGL Data-share Consensus. Not counted in ClinVar's aggregate classification.

Clinical Genetics, Academic Medical Center
Classification: Benign. Review status: no assertion criteria provided. Collection method: clinical testing. Allele origin: germline. Affected: yes. Study: VKGL Data-share Consensus. Not counted in ClinVar's aggregate classification.

NM_002755.4(MAP2K1):c.1068+12_1068+15del

Genes: MAP2K1 (mitogen-activated protein kinase kinase 1; plus strand), SNAPC5 (small nuclear RNA activating complex polypeptide 5; minus strand). Cytogenetic location: 15q22.31.
Variant type: Microsatellite.
Coding change: c.1068+12_1068+15del on transcript NM_002755.4 (MANE Select); bases 12 to 15 of the intron after coding-DNA position 1068, 4 bases deleted (TATT; older notation c.1068+12_1068+15delTATT).
Molecular consequence: intron variant. On other transcripts: 3 prime UTR variant (1), non-coding transcript variant (1).
Genome position (GRCh38, 1-based): chr15:66,489,775-66,489,778, TATT deleted; deleting any 4 consecutive bases within chr15:66,489,771-66,489,778 gives the same sequence; the c. name uses the placement nearest the transcript's 3' end. VCF-style (leftmost placement, unchanged base first): chr15-66489770-CTATT-C. GRCh37 (hg19) VCF-style: chr15-66782108-CTATT-C.
Other names: c.1068+12_1068+15del (NM_002755.3); c.1068+8_1068+11delTATT (NM_002755.3); c.*961AATA[1] (NM_006049.4); c.924+12_924+15del (NM_001411065.1).
Identifiers: ClinVar variation 44586 (VCV000044586.64), dbSNP rs397516788, ClinGen allele CA134591.